The following is an entry in ClinVar:

NM_001873.4(CPE):c.215C>T (p.Ala72Val)

Gene: CPE (carboxypeptidase E; plus strand). Cytogenetic location: 4q32.3.
Variant type: single nucleotide variant.
Coding change: c.215C>T on transcript NM_001873.4 (MANE Select); coding-DNA position 215, C replaced by T.
Protein change: p.Ala72Val; replaces alanine 72 with valine.
Molecular consequence: missense variant.
Genome position (GRCh38, 1-based): chr4:165,379,436, C>T. VCF-style: chr4-165379436-C-T. GRCh37 (hg19) VCF-style: chr4-166300588-C-T.
Other names: c.215C>T (NM_001873.3); short protein forms A72V.
Identifiers: ClinVar variation 1610581 (VCV001610581.37), dbSNP rs148489430, ClinGen allele CA3130087.

ClinVar aggregate classification (germline): Likely benign. Review status: criteria provided, multiple submitters, no conflicts (2 of 4 stars). 3 submissions from 3 submitters: Likely benign (2). 1 of the submissions does not count toward it. Last evaluated 2026-09-01.

Conditions:
CPE-related disorder. Also called: CPE-related condition.

Allele frequency attached by ClinVar (database versions not stated): ESP Exome Variant Server 0.00095; TOPMed 0.00111; gnomAD exomes 0.00149 and 0.00157; ExAC 0.00194; gnomAD 0.00200 and 0.00204.
gnomAD v4.1: 2,463 of 1,610,356 alleles (0.15%); highest among the groups gnomAD compares: Non-Finnish European, 0.18%; 24 homozygotes.

Submissions (3):

CeGaT Center for Human Genetics Tuebingen
Classification: Likely benign. Last evaluated: 2026-09-01. Review status: criteria provided, single submitter. Criteria: CeGaT Center For Human Genetics Tuebingen Variant Classification Criteria Version 2. Collection method: clinical testing. Allele origin: germline. Affected: yes. Observed: 24 variant alleles.
Comment: CPE: BS2

Labcorp Genetics (formerly Invitae), Labcorp
Classification: Likely benign. Last evaluated: 2026-01-25. Review status: criteria provided, single submitter. Criteria: Invitae Variant Classification Sherloc (09022015). Collection method: clinical testing. Allele origin: germline.

PreventionGenetics, part of Exact Sciences
Classification: Likely benign for CPE-related condition. Last evaluated: 2021-09-21. Review status: no assertion criteria provided. Collection method: clinical testing. Allele origin: germline. Not counted in ClinVar's aggregate classification.
Comment: This variant is classified as likely benign based on ACMG/AMP sequence variant interpretation guidelines (Richards et al. 2015 PMID: 25741868, with internal and published modifications).